The following is an entry in ClinVar:

ClinVar aggregate classification (germline): Benign. Review status: criteria provided, multiple submitters, no conflicts (2 of 4 stars). 2 submissions from 2 submitters: Benign (2). Last evaluated 2018-06-16.

Allele frequency attached by ClinVar (database versions not stated): gnomAD exomes 0.00791; gnomAD 0.06376 and 0.06730; TOPMed 0.07150; 1000 Genomes Project 0.08387; 1000 Genomes Project 30x 0.08745.
gnomAD v4.1: 20,170 of 1,440,638 alleles (1.4%); highest among the groups gnomAD compares: African/African-American, 19%; 1,402 homozygotes.

Submissions (2):

GeneDx
Classification: Benign. Last evaluated: 2018-06-16. Review status: criteria provided, single submitter. Criteria: GeneDx Variant Classification (06012015). Collection method: clinical testing. Allele origin: germline. Affected: yes.
Comment: This variant is considered likely benign or benign based on one or more of the following criteria: it is a conservative change, it occurs at a poorly conserved position in the protein, it is predicted to be benign by multiple in silico algorithms, and/or has population frequency not consistent with disease.

Breakthrough Genomics
Classification: Benign. Review status: criteria provided, single submitter. Criteria: ACMG Guidelines, 2015. Collection method: not provided. Allele origin: germline. Inheritance: Autosomal recessive inheritance. Affected: yes.

NM_020631.6(PLEKHG5):c.591+71G>A

Gene: PLEKHG5 (pleckstrin homology and RhoGEF domain containing G5; minus strand). Cytogenetic location: 1p36.31.
Variant type: single nucleotide variant.
Coding change: c.591+71G>A on transcript NM_020631.6 (MANE Select); 71 bases into the intron after coding-DNA position 591, G replaced by A.
Molecular consequence: intron variant.
Genome position (GRCh38, 1-based): chr1:6,473,942, C>T on the plus strand (G>A on the coding strand, the complement: PLEKHG5 is on the minus strand). VCF-style: chr1-6473942-C-T. GRCh37 (hg19) VCF-style: chr1-6534002-C-T.
Other names: c.591+71G>A (NM_198681.4, NM_001265594.3, NM_001042664.2 and 1 more transcripts); c.702+71G>A (NM_001042663.3, NM_001265592.2); c.798+71G>A (NM_001265593.2).
Identifiers: ClinVar variation 675701 (VCV000675701.2), dbSNP rs74049586, ClinGen allele CA17242916.